The following is an entry in ClinVar:

ClinVar aggregate classification (germline): Uncertain significance. Review status: criteria provided, multiple submitters, no conflicts (2 of 4 stars). 6 submissions from 6 submitters: Uncertain significance (6). Last evaluated 2026-01-13.

Conditions:
Melanoma, uveal, susceptibility to, 2 (UVM2). Also called: Melanoma, uveal 2. Identifiers: Orphanet 39044, MedGen C1847723, MONDO:0011696, OMIM 606661.
Kury-Isidor syndrome (KURIS). Identifiers: MedGen C5676925, MONDO:0859230, OMIM 619762.
BAP1-related tumor predisposition syndrome (TPDS1). Also called: Tumor susceptibility linked to germline BAP1 mutations; COMMON Syndrome; BAP1 tumor predisposition syndrome; TUMOR PREDISPOSITION SYNDROME 1. Identifiers: Orphanet 289539, MedGen C3280492, MONDO:0013692, OMIM 614327.
Hereditary cancer-predisposing syndrome. Also called: Neoplastic Syndromes, Hereditary; Tumor predisposition; Hereditary Cancer Syndrome; Hereditary neoplastic syndrome. Identifiers: Orphanet 140162, MedGen C0027672, MeSH D009386, MONDO:0015356.

Allele frequency attached by ClinVar (database versions not stated): gnomAD exomes 0.00001; TOPMed 0.00001; ESP Exome Variant Server 0.00008.
gnomAD v4.1: 13 of 1,613,518 alleles (0.00081%); highest among the groups gnomAD compares: African/African-American, 0.0053%; no homozygotes.

Submissions (6):

Labcorp Genetics (formerly Invitae), Labcorp
Classification: Uncertain significance for BAP1-related tumor predisposition syndrome. Last evaluated: 2026-01-13. Review status: criteria provided, single submitter. Criteria: Invitae Variant Classification Sherloc (09022015). Collection method: clinical testing. Allele origin: germline.
Comment: This sequence change replaces arginine, which is basic and polar, with histidine, which is basic and polar, at codon 383 of the BAP1 protein (p.Arg383His). The frequency data for this variant in the population databases is considered unreliable, as metrics indicate poor data quality at this position in the gnomAD database. This variant has not been reported in the literature in individuals affected with BAP1-related conditions. ClinVar contains an entry for this variant (Variation ID: 412440). Invitae Evidence Modeling of protein sequence and biophysical properties (such as structural, functional, and spatial information, amino acid conservation, physicochemical variation, residue mobility, and thermodynamic stability) indicates that this missense variant is not expected to disrupt BAP1 protein function with a negative predictive value of 80%. In summary, the available evidence is currently insufficient to determine the role of this variant in disease. Therefore, it has been classified as a Variant of Uncertain Significance.

Ambry Genetics
Classification: Uncertain significance for Hereditary cancer-predisposing syndrome. Last evaluated: 2025-09-26. Review status: criteria provided, single submitter. Criteria: Ambry Variant Classification Scheme 2023. Collection method: clinical testing. Allele origin: germline.
Comment: The p.R383H variant (also known as c.1148G>A), located in coding exon 12 of the BAP1 gene, results from a G to A substitution at nucleotide position 1148. The arginine at codon 383 is replaced by histidine, an amino acid with highly similar properties. This amino acid position is highly conserved in available vertebrate species. In addition, this alteration is predicted to be tolerated by in silico analysis. Since supporting evidence is limited at this time, the clinical significance of this alteration remains unclear.

Fulgent Genetics
Classification: Uncertain significance for Melanoma, uveal, susceptibility to, 2; BAP1-related tumor predisposition syndrome; Kury-Isidor syndrome. Last evaluated: 2024-06-21. Review status: criteria provided, single submitter. Criteria: ACMG Guidelines, 2015. Collection method: clinical testing. Allele origin: germline.

Blueprint Genetics
Classification: Uncertain significance. Last evaluated: 2024-03-14. Review status: criteria provided, single submitter. Criteria: ACMG Guidelines, 2015. Collection method: clinical testing. Allele origin: germline.

Color Diagnostics, LLC DBA Color Health
Classification: Uncertain significance for Hereditary cancer-predisposing syndrome. Last evaluated: 2023-11-14. Review status: criteria provided, single submitter. Criteria: ACMG Guidelines, 2015. Collection method: clinical testing. Allele origin: germline.
Comment: This missense variant replaces arginine with histidine at codon 383 of the BAP1 protein. Computational prediction suggests that this variant may not impact protein structure and function (internally defined REVEL score threshold <= 0.5, PMID: 27666373). To our knowledge, functional studies have not been reported for this variant. This variant has not been reported in individuals affected with BAP1-related disorders in the literature. This variant has been identified in 2/245912 chromosomes in the general population by the Genome Aggregation Database (gnomAD). The available evidence is insufficient to determine the role of this variant in disease conclusively. Therefore, this variant is classified as a Variant of Uncertain Significance.

GeneDx
Classification: Uncertain significance. Last evaluated: 2023-08-26. Review status: criteria provided, single submitter. Criteria: GeneDx Variant Classification Process June 2021. Collection method: clinical testing. Allele origin: germline. Affected: yes.
Comment: Not observed at significant frequency in large population cohorts (gnomAD); In silico analysis supports that this missense variant does not alter protein structure/function; Has not been previously published as pathogenic or benign to our knowledge

NM_004656.4(BAP1):c.1148G>A (p.Arg383His)

Gene: BAP1 (BRCA1 associated deubiquitinase 1; minus strand). Cytogenetic location: 3p21.1.
Variant type: single nucleotide variant.
Coding change: c.1148G>A on transcript NM_004656.4 (MANE Select); coding-DNA position 1148, G replaced by A.
Protein change: p.Arg383His; replaces arginine 383 with histidine.
Molecular consequence: missense variant.
Genome position (GRCh38, 1-based): chr3:52,404,555, C>T on the plus strand (G>A on the coding strand, the complement: BAP1 is on the minus strand). VCF-style: chr3-52404555-C-T. GRCh37 (hg19) VCF-style: chr3-52438571-C-T.
Other names: short protein forms R383H.
Identifiers: ClinVar variation 412440 (VCV000412440.23), dbSNP rs374620220, ClinGen allele CA16611431.